The following is an entry in ClinVar:

ClinVar aggregate classification (germline): Uncertain significance (1 of 4 stars; one submission).

Conditions:
COL4A2-related disorder. Also called: COL4A2-related disorders; COL4A2-related condition.

gnomAD v4.1: 12 of 1,613,894 alleles (0.00074%); highest among the groups gnomAD compares: South Asian, 0.0011%; no homozygotes.

Submission:

PreventionGenetics, part of Exact Sciences
Classification: Uncertain significance for COL4A2-related condition. Last evaluated: 2025-10-09. Review status: criteria provided, single submitter. Criteria: ACMG Guidelines, 2015. Collection method: clinical testing. Allele origin: germline.
Comment: The COL4A2 c.3964C>G variant is predicted to result in the amino acid substitution p.Pro1322Ala. To our knowledge, this variant has not been reported in the literature. This variant is reported in 0.00088% of alleles in individuals of European (Non-Finnish) descent in gnomAD v2. Although this frequency is similarly low in gnomAD v4 (available only on GRCh38), it is observed in 12 total heterozygous individuals of unknown phenotype in the newer dataset, which is unlikely to be consistent with this variant being an unreported primary cause of disease. Additionally, most causative missense changes in COL4A2 result from addition or alteration of a glycine residue. This variant does not involve a glycine amino acid. Although we suspect that this variant may be benign, at this time, the clinical significance of this variant remains uncertain due to the absence of conclusive functional and genetic evidence.

NM_001846.4(COL4A2):c.3964C>G (p.Pro1322Ala)

Genes: COL4A2 (collagen type IV alpha 2 chain; plus strand), COL4A2-AS1 (COL4A2 antisense RNA 1; minus strand). Cytogenetic location: 13q34.
Variant type: single nucleotide variant.
Coding change: c.3964C>G on transcript NM_001846.4 (MANE Select); coding-DNA position 3964, C replaced by G.
Protein change: p.Pro1322Ala; replaces proline 1322 with alanine.
Molecular consequence: missense variant.
Genome position (GRCh38, 1-based): chr13:110,503,207, C>G. VCF-style: chr13-110503207-C-G. GRCh37 (hg19) VCF-style: chr13-111155554-C-G.
Other names: short protein forms P1322A.
Identifiers: ClinVar variation 4980381 (VCV004980381.1).